The following is an entry in ClinVar:

ClinVar aggregate classification (germline): Benign. Review status: criteria provided, multiple submitters, no conflicts (2 of 4 stars). 6 submissions from 5 submitters: Benign (6). Last evaluated 2026-01-05.

Conditions:
Hypophosphatemic rickets, autosomal recessive, 2 (ARHR2). Identifiers: Orphanet 289176, MedGen C2750078, MONDO:0013219, OMIM 613312.
Arterial calcification, generalized, of infancy, 1 (GACI1). Also called: Idiopathic Infantile Arterial Calcification. Identifiers: Orphanet 51608, MedGen C4551985, MONDO:0008817, OMIM 208000.

Allele frequency attached by ClinVar (database versions not stated): gnomAD 0.05630; ESP Exome Variant Server 0.09772; 1000 Genomes Project 0.10403; ExAC 0.20367.
gnomAD v4.1: 30,639 of 363,060 alleles (8.4%); highest among the groups gnomAD compares: African/African-American, 20%; 386 homozygotes.

Submissions (6):

Labcorp Genetics (formerly Invitae), Labcorp
Classification: Benign. Last evaluated: 2026-01-05. Review status: criteria provided, single submitter. Criteria: Invitae Variant Classification Sherloc (09022015). Collection method: clinical testing. Allele origin: germline.

Blueprint Genetics
Classification: Benign. Last evaluated: 2024-11-26. Review status: criteria provided, single submitter. Criteria: ACMG Guidelines, 2015. Collection method: clinical testing. Allele origin: germline.

Mayo Clinic Laboratories, Mayo Clinic
Classification: Benign. Last evaluated: 2022-03-09. Review status: criteria provided, single submitter. Criteria: ACMG Guidelines, 2015. Collection method: clinical testing. Allele origin: germline. Observed: 5 variant alleles.

GeneDx
Classification: Benign. Last evaluated: 2019-09-14. Review status: criteria provided, single submitter. Criteria: GeneDx Variant Classification Process June 2021. Collection method: clinical testing. Allele origin: germline. Affected: yes.

Illumina Laboratory Services, Illumina
Classification: Benign for Arterial calcification, generalized, of infancy, 1. Last evaluated: 2018-01-12. Review status: criteria provided, single submitter. Criteria: ICSL Variant Classification Criteria 13 December 2019. Collection method: clinical testing. Allele origin: germline.
Comment: This variant was observed in the ICSL laboratory as part of a predisposition screen in an ostensibly healthy population. It had not been previously curated by ICSL or reported in the Human Gene Mutation Database (HGMD: prior to June 1st, 2018), and was therefore a candidate for classification through an automated scoring system. Utilizing variant allele frequency, disease prevalence and penetrance estimates, and inheritance mode, an automated score was calculated to assess if this variant is too frequent to cause the disease. Based on the score and internal cut-off values, a variant classified as benign is not then subjected to further curation. The score for this variant resulted in a classification of benign for this disease.

Illumina Laboratory Services, Illumina
Classification: Benign for Hypophosphatemic rickets, autosomal recessive, 2. Last evaluated: 2018-01-12. Review status: criteria provided, single submitter. Criteria: ICSL Variant Classification Criteria 13 December 2019. Collection method: clinical testing. Allele origin: germline.
Comment: the same text as in the submission from Illumina Laboratory Services, Illumina above.

NM_006208.3(ENPP1):c.313+9G>T

Gene: ENPP1 (ectonucleotide pyrophosphatase/phosphodiesterase 1; plus strand). Cytogenetic location: 6q23.2.
Variant type: single nucleotide variant.
Coding change: c.313+9G>T on transcript NM_006208.3 (MANE Select); 9 bases into the intron after coding-DNA position 313, G replaced by T.
Molecular consequence: intron variant.
Genome position (GRCh38, 1-based): chr6:131,847,857, G>T. VCF-style: chr6-131847857-G-T. GRCh37 (hg19) VCF-style: chr6-132168997-G-T.
Other names: p.?.
Identifiers: ClinVar variation 355335 (VCV000355335.17), dbSNP rs7773477, ClinGen allele CA4001833.